The following is an entry in ClinVar:

NM_023036.6(DNAI2):c.949G>A (p.Ala317Thr)

Gene: DNAI2 (dynein axonemal intermediate chain 2; plus strand). Cytogenetic location: 17q25.1.
Variant type: single nucleotide variant.
Coding change: c.949G>A on transcript NM_023036.6 (MANE Select); coding-DNA position 949, G replaced by A.
Protein change: p.Ala317Thr; replaces alanine 317 with threonine.
Molecular consequence: missense variant. On other transcripts: non-coding transcript variant (1).
Genome position (GRCh38, 1-based): chr17:74,301,130, G>A. VCF-style: chr17-74301130-G-A. GRCh37 (hg19) VCF-style: chr17-72297269-G-A.
Other names: c.949G>A, p.Ala317Thr (NM_001172810.3, NM_001353167.2); short protein forms A317T.
Identifiers: ClinVar variation 325015 (VCV000325015.22), dbSNP rs145798624, ClinGen allele CA8745551.
Genomic context (GRCh38, chr17:74,301,130, plus strand): 5'-ATGAGCGAGCCCACTGAAGTTGTGATCTTGGACATCACCAAGAAGGAACAGTTGGAAAAT[G>A]CCTTGGGGGCCATCTCCCTGGAGTTCGAATCTACTTTGGTGAGTGTCCCTTGCTGTCCCT-3'
Protein context (NP_075462.3, residues 307-327): DITKKEQLEN[Ala317Thr]LGAISLEFES

ClinVar aggregate classification (germline): Benign/Likely benign. Review status: criteria provided, multiple submitters, no conflicts (2 of 4 stars). 7 submissions from 7 submitters: Benign (2); Likely benign (4). 1 of the submissions does not count toward it. Last evaluated 2026-01-28.

Conditions:
Primary ciliary dyskinesia 9. Also called: CILIARY DYSKINESIA, PRIMARY, 9, WITH OR WITHOUT SITUS INVERSUS. Identifiers: Orphanet 244, MedGen C2676235, MONDO:0012906, OMIM 612444.
Primary ciliary dyskinesia. Also called: Ciliary dyskinesia. Identifiers: Orphanet 244, MedGen C0008780, MONDO:0016575, HP:0012265.

Allele frequency attached by ClinVar (database versions not stated): gnomAD exomes 0.00101; ExAC 0.00129; 1000 Genomes Project 0.00319; gnomAD 0.00354 and 0.00383; 1000 Genomes Project 30x 0.00422; TOPMed 0.00422; ESP Exome Variant Server 0.00477.
gnomAD v4.1: 1,068 of 1,614,082 alleles (0.066%); highest among the groups gnomAD compares: African/African-American, 1.3%; 7 homozygotes.

Submissions (7):

Labcorp Genetics (formerly Invitae), Labcorp
Classification: Benign for Primary ciliary dyskinesia. Last evaluated: 2026-01-28. Review status: criteria provided, single submitter. Criteria: Invitae Variant Classification Sherloc (09022015). Collection method: clinical testing. Allele origin: germline.

Blueprint Genetics
Classification: Likely benign. Last evaluated: 2024-07-19. Review status: criteria provided, single submitter. Criteria: ACMG Guidelines, 2015. Collection method: clinical testing. Allele origin: germline.

ARUP Laboratories, Molecular Genetics and Genomics, ARUP Laboratories
Classification: Likely benign for Primary ciliary dyskinesia 9. Last evaluated: 2023-08-21. Review status: criteria provided, single submitter. Criteria: ARUP Molecular Germline Variant Investigation Process 2024. Collection method: clinical testing. Allele origin: germline.

Illumina Laboratory Services, Illumina
Classification: Likely benign for Primary ciliary dyskinesia 9. Last evaluated: 2018-01-13. Review status: criteria provided, single submitter. Criteria: ICSL Variant Classification Criteria 13 December 2019. Collection method: clinical testing. Allele origin: germline.
Comment: This variant was observed in the ICSL laboratory as part of a predisposition screen in an ostensibly healthy population. It had not been previously curated by ICSL or reported in the Human Gene Mutation Database (HGMD: prior to June 1st, 2018), and was therefore a candidate for classification through an automated scoring system. Utilizing variant allele frequency, disease prevalence and penetrance estimates, and inheritance mode, an automated score was calculated to assess if this variant is too frequent to cause the disease. Based on the score and internal cut-off values, a variant classified as likely benign is not then subjected to further curation. The score for this variant resulted in a classification of likely benign for this disease.

Ambry Genetics
Classification: Benign for Primary ciliary dyskinesia. Last evaluated: 2015-03-25. Review status: criteria provided, single submitter. Criteria: Ambry Variant Classification Scheme 2023. Collection method: clinical testing. Allele origin: germline.

Breakthrough Genomics
Classification: Likely benign. Review status: criteria provided, single submitter. Criteria: ACMG Guidelines, 2015. Collection method: not provided. Allele origin: germline. Inheritance: Autosomal recessive inheritance. Affected: yes.

Natera, Inc.
Classification: Benign for Primary ciliary dyskinesia. Last evaluated: 2020-09-16. Review status: no assertion criteria provided. Collection method: clinical testing. Allele origin: germline. Not counted in ClinVar's aggregate classification.